The following is an entry in ClinVar:

ClinVar aggregate classification (germline): Uncertain significance (1 of 4 stars; one submission).

Conditions:
Bethlem myopathy 1A. Also called: Bethlem myopathy 1; Bethlem Muscular Dystrophy; MYOPATHY, BENIGN CONGENITAL, WITH CONTRACTURES. Identifiers: Orphanet 610, MedGen CN029274, MONDO:0024530, OMIM 158810.

Allele frequency attached by ClinVar (database versions not stated): gnomAD exomes below 0.00001.
gnomAD v4.1: 5 of 1,614,216 alleles (0.00031%); highest among the groups gnomAD compares: Non-Finnish European, 0.00042%; no homozygotes.

Submission:

Labcorp Genetics (formerly Invitae), Labcorp
Classification: Uncertain significance for Bethlem myopathy 1A. Last evaluated: 2020-10-30. Review status: criteria provided, single submitter. Criteria: Invitae Variant Classification Sherloc (09022015). Collection method: clinical testing. Allele origin: germline.
Comment: In summary, the available evidence is currently insufficient to determine the role of this variant in disease. Therefore, it has been classified as a Variant of Uncertain Significance. Algorithms developed to predict the effect of missense changes on protein structure and function are either unavailable or do not agree on the potential impact of this missense change (SIFT: "Tolerated"; PolyPhen-2: "Probably Damaging"; Align-GVGD: "Class C0"). This variant has not been reported in the literature in individuals with COL6A3-related conditions. This variant is not present in population databases (ExAC no frequency). This sequence change replaces arginine with methionine at codon 1507 of the COL6A3 protein (p.Arg1507Met). The arginine residue is highly conserved and there is a moderate physicochemical difference between arginine and methionine.

NM_004369.4(COL6A3):c.4520G>T (p.Arg1507Met)

Gene: COL6A3 (collagen type VI alpha 3 chain; minus strand). Cytogenetic location: 2q37.3.
Variant type: single nucleotide variant.
Coding change: c.4520G>T on transcript NM_004369.4 (MANE Select); coding-DNA position 4520, G replaced by T.
Protein change: p.Arg1507Met; replaces arginine 1507 with methionine.
Molecular consequence: missense variant.
Genome position (GRCh38, 1-based): chr2:237,368,943, C>A on the plus strand (G>T on the coding strand, the complement: COL6A3 is on the minus strand). VCF-style: chr2-237368943-C-A. GRCh37 (hg19) VCF-style: chr2-238277586-C-A.
Other names: c.2699G>T, p.Arg900Met (NM_057166.5); c.3902G>T, p.Arg1301Met (NM_057167.4); short protein forms R1507M, R900M, R1301M.
Identifiers: ClinVar variation 1482687 (VCV001482687.8), dbSNP rs766158387, ClinGen allele CA351193163.